The following is an entry in ClinVar:

NM_182961.4(SYNE1):c.23935C>T (p.Arg7979Trp)

Gene: SYNE1 (spectrin repeat containing nuclear envelope protein 1; minus strand). Cytogenetic location: 6q25.2.
Variant type: single nucleotide variant.
Coding change: c.23935C>T on transcript NM_182961.4 (MANE Select); coding-DNA position 23935, C replaced by T.
Protein change: p.Arg7979Trp; replaces arginine 7979 with tryptophan.
Molecular consequence: missense variant.
Genome position (GRCh38, 1-based): chr6:152,155,953, G>A on the plus strand (C>T on the coding strand, the complement: SYNE1 is on the minus strand). VCF-style: chr6-152155953-G-A. GRCh37 (hg19) VCF-style: chr6-152477088-G-A.
Other names: c.541C>T, p.Arg181Trp (NM_001347701.2); c.400C>T, p.Arg134Trp (NM_001347702.2); c.23722C>T, p.Arg7908Trp (NM_033071.5); short protein forms R7908W, R7979W, R134W, R181W.
Identifiers: ClinVar variation 471032 (VCV000471032.9), dbSNP rs762991088, ClinGen allele CA4053316.

ClinVar aggregate classification (germline): Uncertain significance (1 of 4 stars; one submission).

Conditions:
Emery-Dreifuss muscular dystrophy 4, autosomal dominant (EDMD4). Also called: EMERY-DREIFUSS MUSCULAR DYSTROPHY 4 WITH VARIABLE FEATURES. Identifiers: Orphanet 261, MedGen C2751807, MONDO:0013071, OMIM 612998.
Autosomal recessive ataxia, Beauce type. Also called: SYNE1-Related Autosomal Recessive Cerebellar Ataxia; Spinocerebellar ataxia, autosomal recessive 8; ATAXIA, RECESSIVE, OF BEAUCE; SYNE1 Deficiency. Identifiers: Orphanet 88644, MedGen C1853116, MONDO:0012549, OMIM 610743.

Allele frequency attached by ClinVar (database versions not stated): gnomAD 0.00001; gnomAD exomes 0.00001.
gnomAD v4.1: 9 of 1,613,880 alleles (0.00056%); highest among the groups gnomAD compares: East Asian, 0.0067%; no homozygotes.

Submission:

Labcorp Genetics (formerly Invitae), Labcorp
Classification: Uncertain significance for Emery-Dreifuss muscular dystrophy 4, autosomal dominant; Autosomal recessive ataxia, Beauce type. Last evaluated: 2016-08-11. Review status: criteria provided, single submitter. Criteria: Invitae Variant Classification Sherloc (09022015). Collection method: clinical testing. Allele origin: germline.
Comment: This sequence change replaces arginine with tryptophan at codon 7908 of the SYNE1 protein (p.Arg7908Trp). The arginine residue is highly conserved and there is a moderate physicochemical difference between arginine and tryptophan. This variant is present in population databases (rs762991088, ExAC 0.01%) but has not been reported in the literature in individuals with a SYNE1-related disease. Algorithms developed to predict the effect of missense changes on protein structure and function do not agree on the potential impact of this missense change (SIFT: "Deleterious"; PolyPhen-2: "Probably Damaging"; Align-GVGD: "Class C0"). In summary, this variant is a rare missense change with uncertain impact on protein function. There is no indication that it causes disease, but the available evidence is currently insufficient to prove that conclusively. Therefore, it has been classified as a Variant of Uncertain Significance.